The following is an entry in ClinVar:

NM_001042681.2(RERE):c.3582_3599del (p.1192RE[2])

Gene: RERE (arginine-glutamic acid dipeptide repeats; minus strand). Cytogenetic location: 1p36.23.
Variant type: Deletion.
Coding change: c.3582_3599del on transcript NM_001042681.2 (MANE Select); coding-DNA positions 3582 to 3599, 18 bases deleted (GGAGCGAGAGCGGGAGCG).
Protein change: p.1192RE[2].
Genome position (GRCh38, 1-based): chr1:8,359,783-8,359,800, CGCTCCCGCTCTCGCTCC deleted on the plus strand (GGAGCGAGAGCGGGAGCG on the coding strand, the reverse complement: RERE is on the minus strand); deleting any 18 consecutive bases within chr1:8,359,783-8,359,811 gives the same sequence; the c. name uses the placement nearest the transcript's 3' end. VCF-style (leftmost placement, unchanged base first): chr1-8359782-GCGCTCCCGCTCTCGCTCC-G. GRCh37 (hg19) VCF-style: chr1-8419842-GCGCTCCCGCTCTCGCTCC-G.
Other names: c.1920_1937del, p.638RE[2] (NM_001042682.2); c.3582_3599del, p.1192RE[2] (NM_012102.4).
Identifiers: ClinVar variation 3669406 (VCV003669406.2).

ClinVar aggregate classification (germline): Uncertain significance (1 of 4 stars; one submission).

Submission:

Labcorp Genetics (formerly Invitae), Labcorp
Classification: Uncertain significance. Last evaluated: 2024-05-08. Review status: criteria provided, single submitter. Criteria: Invitae Variant Classification Sherloc (09022015). Collection method: clinical testing. Allele origin: germline.
Comment: This variant, c.3582_3599del, results in the deletion of 6 amino acid(s) of the RERE protein (p.Arg1196_Glu1201del), but otherwise preserves the integrity of the reading frame. The frequency data for this variant in the population databases is considered unreliable, as metrics indicate poor data quality at this position in the gnomAD database. This variant has not been reported in the literature in individuals affected with RERE-related conditions. Experimental studies and prediction algorithms are not available or were not evaluated, and the functional significance of this variant is currently unknown. In summary, the available evidence is currently insufficient to determine the role of this variant in disease. Therefore, it has been classified as a Variant of Uncertain Significance.